The following is an entry in ClinVar:

ClinVar aggregate classification (germline): Uncertain significance (1 of 4 stars; one submission).

Submission:

CeGaT Center for Human Genetics Tuebingen
Classification: Uncertain significance. Last evaluated: 2026-01-01. Review status: criteria provided, single submitter. Criteria: CeGaT Center For Human Genetics Tuebingen Variant Classification Criteria Version 2. Collection method: clinical testing. Allele origin: germline. Affected: yes. Observed: 1 variant allele.
Comment: ANKRD17: PM2

NM_032217.5(ANKRD17):c.659C>G (p.Thr220Ser)

Gene: ANKRD17 (ankyrin repeat domain 17; minus strand). Cytogenetic location: 4q13.3.
Variant type: single nucleotide variant.
Coding change: c.659C>G on transcript NM_032217.5 (MANE Select); coding-DNA position 659, C replaced by G.
Protein change: p.Thr220Ser; replaces threonine 220 with serine.
Molecular consequence: missense variant.
Genome position (GRCh38, 1-based): chr4:73,161,237, G>C on the plus strand (C>G on the coding strand, the complement: ANKRD17 is on the minus strand). VCF-style: chr4-73161237-G-C. GRCh37 (hg19) VCF-style: chr4-74026954-G-C.
Other names: c.320C>G, p.Thr107Ser (NM_001286771.3); c.659C>G, p.Thr220Ser (NM_015574.2, NM_198889.3); short protein forms T107S, T220S.
Identifiers: ClinVar variation 4822966 (VCV004822966.4).